The following is an entry in ClinVar:

NM_006231.4(POLE):c.1270C>A (p.Leu424Ile)

Gene: POLE (DNA polymerase epsilon, catalytic subunit; minus strand). Cytogenetic location: 12q24.33.
Variant type: single nucleotide variant.
Coding change: c.1270C>A on transcript NM_006231.4 (MANE Select); coding-DNA position 1270, C replaced by A.
Protein change: p.Leu424Ile; replaces leucine 424 with isoleucine.
Molecular consequence: missense variant.
Genome position (GRCh38, 1-based): chr12:132,673,664, G>T on the plus strand (C>A on the coding strand, the complement: POLE is on the minus strand). VCF-style: chr12-132673664-G-T. GRCh37 (hg19) VCF-style: chr12-133250250-G-T.
Other names: c.1270C>A (NM_006231.3); short protein forms L424I.
Identifiers: ClinVar variation 1370405 (VCV001370405.7), dbSNP rs483352909, ClinGen allele CA387359534.

ClinVar aggregate classification (germline): Uncertain significance. Review status: criteria provided, multiple submitters, no conflicts (2 of 4 stars). 2 submissions from 2 submitters: Uncertain significance (2). Last evaluated 2025-08-11.

Conditions:
POLE-related disorder. Also called: POLE-related disorders; POLE-related condition.

Submissions (2):

PreventionGenetics, part of Exact Sciences
Classification: Uncertain significance for POLE-related condition. Last evaluated: 2025-08-11. Review status: criteria provided, single submitter. Criteria: ACMG Guidelines, 2015. Collection method: clinical testing. Allele origin: germline.
Comment: The POLE c.1270C>A variant is predicted to result in the amino acid substitution p.Leu424Ile. To our knowledge, this variant has not been reported in the literature or in a large population database (gnomAD), indicating this variant is rare. However, another substitutions affecting this amino acid residue, p.Leu424Val, has been reported causative of colorectal adenomas and carcinomas (Palles et al. 2021. PubMed ID: 33948826; Table S2, Kim et al. 2021. PubMed ID: 34308104; Valle et al. 2014. PubMed ID: 24501277). This variant is interpreted as variant of uncertain significance in ClinVar (Variation ID: 1370405). At this time, the clinical significance of this variant is uncertain due to the absence of conclusive functional and genetic evidence.

Labcorp Genetics (formerly Invitae), Labcorp
Classification: Uncertain significance. Last evaluated: 2021-07-27. Review status: criteria provided, single submitter. Criteria: Invitae Variant Classification Sherloc (09022015). Collection method: clinical testing. Allele origin: germline.
Comment: In summary, the available evidence is currently insufficient to determine the role of this variant in disease. Therefore, it has been classified as a Variant of Uncertain Significance. This variant disrupts the p.Leu424 amino acid residue in POLE. Other variant(s) that disrupt this residue have been determined to be pathogenic (PMID: 12424237, 16699561, 23263490, 24501277, 25370038, 25529843, 27683556). This suggests that this residue is clinically significant, and that variants that disrupt this residue are likely to be disease-causing. Algorithms developed to predict the effect of missense changes on protein structure and function are either unavailable or do not agree on the potential impact of this missense change (SIFT: "Deleterious"; PolyPhen-2: "Probably Damaging"; Align-GVGD: "Class C0"). This variant has not been reported in the literature in individuals affected with POLE-related conditions. This variant is not present in population databases (ExAC no frequency). This sequence change replaces leucine with isoleucine at codon 424 of the POLE protein (p.Leu424Ile). The leucine residue is highly conserved and there is a small physicochemical difference between leucine and isoleucine.

Literature cited by the submitters: PubMed 12424237 (cited by Labcorp Genetics (formerly Invitae), Labcorp); PubMed 16699561 (cited by Labcorp Genetics (formerly Invitae), Labcorp); PubMed 23263490 (cited by Labcorp Genetics (formerly Invitae), Labcorp); PubMed 24501277 (cited by Labcorp Genetics (formerly Invitae), Labcorp); PubMed 25370038 (cited by Labcorp Genetics (formerly Invitae), Labcorp); PubMed 25529843 (cited by Labcorp Genetics (formerly Invitae), Labcorp); PubMed 27683556 (cited by Labcorp Genetics (formerly Invitae), Labcorp).